The following is an entry in ClinVar:

NC_000001.10:g.(?_29356892)_(29442309_?)dup

Gene: EPB41 (erythrocyte membrane protein band 4.1; plus strand). Cytogenetic location: 1p35.3.
Variant type: Duplication.
Identifiers: ClinVar variation 3247964 (VCV003247964.1).

ClinVar aggregate classification (germline): Uncertain significance (1 of 4 stars; one submission).

Submission:

Labcorp Genetics (formerly Invitae), Labcorp
Classification: Uncertain significance. Last evaluated: 2023-10-05. Review status: criteria provided, single submitter. Criteria: Invitae Variant Classification Sherloc (09022015). Collection method: clinical testing. Allele origin: unknown.
Comment: This variant results in a copy number gain of the genomic region encompassing exon(s) 9-18 of the EPB41 gene. This region includes the termination codon of the gene. This copy number gain extends beyond the assayed region for this gene and therefore may encompass additional genes. As the precise location of this event is unknown, it may be in tandem or it may be located elsewhere in the genome. This variant has not been reported in the literature in individuals affected with EPB41-related conditions. Experimental studies and prediction algorithms are not available or were not evaluated, and the functional significance of this variant is currently unknown. In summary, the available evidence is currently insufficient to determine the role of this variant in disease. Therefore, it has been classified as a Variant of Uncertain Significance.